The following is an entry in ClinVar:

ClinVar aggregate classification (germline): Uncertain significance (1 of 4 stars; one submission).

Submission:

GeneDx
Classification: Uncertain significance. Last evaluated: 2022-08-31. Review status: criteria provided, single submitter. Criteria: GeneDx Variant Classification Process June 2021. Collection method: clinical testing. Allele origin: germline. Affected: yes.
Comment: Not observed at significant frequency in large population cohorts (gnomAD); In silico analysis supports that this missense variant has a deleterious effect on protein structure/function; Has not been previously published as pathogenic or benign to our knowledge

NM_001829.4(CLCN3):c.1252C>T (p.Arg418Cys)

Gene: CLCN3 (chloride voltage-gated channel 3; plus strand). Cytogenetic location: 4q33.
Variant type: single nucleotide variant.
Coding change: c.1252C>T on transcript NM_001829.4 (MANE Select); coding-DNA position 1252, C replaced by T.
Protein change: p.Arg418Cys; replaces arginine 418 with cysteine.
Molecular consequence: missense variant.
Genome position (GRCh38, 1-based): chr4:169,697,423, C>T. VCF-style: chr4-169697423-C-T. GRCh37 (hg19) VCF-style: chr4-170618574-C-T.
Other names: c.1171C>T, p.Arg391Cys (NM_001243372.2, NM_001243374.2); c.1252C>T, p.Arg418Cys (NM_173872.4); short protein forms R391C, R418C.
Identifiers: ClinVar variation 2442567 (VCV002442567.1), dbSNP rs2477056848, ClinGen allele CA358739565.